The following is an entry in ClinVar:

ClinVar aggregate classification (germline): Benign/Likely benign. Review status: criteria provided, multiple submitters, no conflicts (2 of 4 stars). 6 submissions from 6 submitters: Benign (1); Likely benign (5). Last evaluated 2025-12-08.

Conditions:
BRIP1-related disorder. Also called: BRIP1-related condition; BRIP1-related disorders. Identifiers: MedGen CN239206.
Hereditary cancer-predisposing syndrome. Also called: Neoplastic Syndromes, Hereditary; Tumor predisposition; Hereditary neoplastic syndrome; Hereditary Cancer Syndrome. Identifiers: Orphanet 140162, MedGen C0027672, MeSH D009386, MONDO:0015356.
Familial cancer of breast. Also called: Hereditary breast cancer; BREAST CANCER, FAMILIAL; hereditary breast carcinoma. Identifiers: Orphanet 227535, MedGen C0346153, MONDO:0016419, OMIM 114480. Disease mechanism: loss of function.
Fanconi anemia complementation group J. Also called: BRIP1-Related Fanconi Anemia. Identifiers: Orphanet 84, MedGen C1836860, MONDO:0012187, OMIM 609054.

Allele frequency attached by ClinVar (database versions not stated): gnomAD exomes 0.00001; TOPMed 0.00002.
gnomAD v4.1: 14 of 1,613,736 alleles (0.00087%); highest among the groups gnomAD compares: Non-Finnish European, 0.0012%; no homozygotes.

Submissions (6):

Labcorp Genetics (formerly Invitae), Labcorp
Classification: Likely benign for Familial cancer of breast; Fanconi anemia complementation group J. Last evaluated: 2025-12-08. Review status: criteria provided, single submitter. Criteria: Invitae Variant Classification Sherloc (09022015). Collection method: clinical testing. Allele origin: germline.

PreventionGenetics, part of Exact Sciences
Classification: Likely benign for BRIP1-related condition. Last evaluated: 2025-01-30. Review status: criteria provided, single submitter. Criteria: ACMG Guidelines, 2015. Collection method: clinical testing. Allele origin: germline.
Comment: This variant is classified as likely benign based on ACMG/AMP sequence variant interpretation guidelines (Richards et al. 2015 PMID: 25741868, with internal and published modifications).

Myriad Genetics, Inc.
Classification: Benign for Familial cancer of breast. Last evaluated: 2024-08-22. Review status: criteria provided, single submitter. Criteria: Myriad Autosomal Dominant, Autosomal Recessive and X-Linked Classification Criteria (2023). Collection method: clinical testing. Allele origin: unknown.
Comment: This variant is considered benign. This variant is a silent/synonymous amino acid change and it is not expected to impact splicing.

GeneDx
Classification: Likely benign. Last evaluated: 2019-03-12. Review status: criteria provided, single submitter. Criteria: GeneDx Variant Classification Process June 2021. Collection method: clinical testing. Allele origin: germline. Affected: yes.

Color Diagnostics, LLC DBA Color Health
Classification: Likely benign for Hereditary cancer-predisposing syndrome. Last evaluated: 2017-09-22. Review status: criteria provided, single submitter. Criteria: ACMG Guidelines, 2015. Collection method: clinical testing. Allele origin: germline.

Ambry Genetics
Classification: Likely benign for Hereditary cancer-predisposing syndrome. Last evaluated: 2014-07-23. Review status: criteria provided, single submitter. Criteria: Ambry Variant Classification Scheme 2023. Collection method: clinical testing. Allele origin: germline.

NM_032043.3(BRIP1):c.732C>A (p.Pro244=)

Gene: BRIP1 (BRCA1 interacting DNA helicase 1; minus strand). Cytogenetic location: 17q23.2.
Variant type: single nucleotide variant.
Coding change: c.732C>A on transcript NM_032043.3 (MANE Select); coding-DNA position 732, C replaced by A.
Protein change: p.Pro244=; no amino-acid change (proline 244 retained).
Molecular consequence: synonymous variant.
Genome position (GRCh38, 1-based): chr17:61,808,653, G>T on the plus strand (C>A on the coding strand, the complement: BRIP1 is on the minus strand). VCF-style: chr17-61808653-G-T. GRCh37 (hg19) VCF-style: chr17-59886014-G-T.
Identifiers: ClinVar variation 185595 (VCV000185595.23), dbSNP rs786202300, ClinGen allele CA192375.